The following is an entry in ClinVar:

NM_001323289.2(CDKL5):c.2276+9T>G

Gene: CDKL5 (cyclin dependent kinase like 5; plus strand). Cytogenetic location: Xp22.13.
Variant type: single nucleotide variant.
Coding change: c.2276+9T>G on transcript NM_001323289.2 (MANE Select); 9 bases into the intron after coding-DNA position 2276, T replaced by G.
Molecular consequence: intron variant.
Genome position (GRCh38, 1-based): chrX:18,613,284, T>G. VCF-style: chrX-18613284-T-G. GRCh37 (hg19) VCF-style: chrX-18631404-T-G.
Other names: c.2276+9T>G (NM_003159.3, NM_001037343.2).
Identifiers: ClinVar variation 513111 (VCV000513111.1), dbSNP rs1555953298, ClinGen allele CA658799611.

ClinVar aggregate classification (germline): Likely benign (1 of 4 stars; one submission).

Submission:

GeneDx
Classification: Likely benign. Last evaluated: 2017-10-30. Review status: criteria provided, single submitter. Criteria: GeneDx Variant Classification (06012015). Collection method: clinical testing. Allele origin: germline. Affected: yes.
Comment: This variant is considered likely benign or benign based on one or more of the following criteria: it is a conservative change, it occurs at a poorly conserved position in the protein, it is predicted to be benign by multiple in silico algorithms, and/or has population frequency not consistent with disease.